The following is an entry in ClinVar:

NM_022765.4(MICAL1):c.2070+2T>C

Gene: MICAL1 (microtubule associated monooxygenase, calponin and LIM domain containing 1; minus strand). Cytogenetic location: 6q21.
Variant type: single nucleotide variant.
Coding change: c.2070+2T>C on transcript NM_022765.4 (MANE Select); the canonical splice donor site of the intron after coding-DNA position 2070, T replaced by C.
Molecular consequence: splice donor variant.
Genome position (GRCh38, 1-based): chr6:109,447,355, A>G on the plus strand (T>C on the coding strand, the complement: MICAL1 is on the minus strand). VCF-style: chr6-109447355-A-G. GRCh37 (hg19) VCF-style: chr6-109768558-A-G.
Other names: c.2127+2T>C (NM_001286613.2); c.1812+2T>C (NM_001159291.2).
Identifiers: ClinVar variation 2759545 (VCV002759545.4), dbSNP rs1582640425, ClinGen allele CA365225844.

ClinVar aggregate classification (germline): Uncertain significance (1 of 4 stars; one submission).

gnomAD v4.1: 1 of 1,612,924 alleles (0.000062%); no homozygotes.

Submissions (2):

Labcorp Genetics (formerly Invitae), Labcorp
Classification: Uncertain significance. Last evaluated: 2023-09-10. Review status: criteria provided, single submitter. Criteria: Invitae Variant Classification Sherloc (09022015). Collection method: clinical testing. Allele origin: germline.
Comment: This sequence change affects a donor splice site in intron 16 of the MICAL1 gene. It is expected to disrupt RNA splicing. Variants that disrupt the donor or acceptor splice site typically lead to a loss of protein function (PMID: 16199547), however the current clinical and genetic evidence is not sufficient to establish whether loss-of-function variants in MICAL1 cause disease. This variant is not present in population databases (gnomAD no frequency). This variant has not been reported in the literature in individuals affected with MICAL1-related conditions. Algorithms developed to predict the effect of sequence changes on RNA splicing suggest that this variant may disrupt the consensus splice site. In summary, the available evidence is currently insufficient to determine the role of this variant in disease. Therefore, it has been classified as a Variant of Uncertain Significance.

Dr. Peter K. Rogan Lab, Western University
No classification provided (evidence only). Condition: Malignant tumor of urinary bladder. Review status: no classification provided. Collection method: in vitro. Allele origin: not applicable. Functional consequence: skipped exon. Not counted in ClinVar's aggregate classification.

Literature cited by the submitters: PubMed 16199547 (cited by Labcorp Genetics (formerly Invitae), Labcorp).